The following is an entry in ClinVar:

NM_000494.4(COL17A1):c.622G>A (p.Asp208Asn)

Gene: COL17A1 (collagen type XVII alpha 1 chain; minus strand). Cytogenetic location: 10q25.1.
Variant type: single nucleotide variant.
Coding change: c.622G>A on transcript NM_000494.4 (MANE Select); coding-DNA position 622, G replaced by A.
Protein change: p.Asp208Asn; replaces aspartic acid 208 with asparagine.
Molecular consequence: missense variant.
Genome position (GRCh38, 1-based): chr10:104,064,582, C>T on the plus strand (G>A on the coding strand, the complement: COL17A1 is on the minus strand). VCF-style: chr10-104064582-C-T. GRCh37 (hg19) VCF-style: chr10-105824340-C-T.
Other names: c.622G>A (NM_000494.3); short protein forms D208N.
Identifiers: ClinVar variation 2703616 (VCV002703616.5), dbSNP rs142292391, ClinGen allele CA5679346.

ClinVar aggregate classification (germline): Likely benign. Review status: criteria provided, single submitter (1 of 4 stars). 2 submissions from 2 submitters: Likely benign (1). 1 of the submissions does not count toward it. Last evaluated 2025-12-24.

Conditions:
COL17A1-related disorder. Also called: COL17A1-related condition.

Allele frequency attached by ClinVar (database versions not stated): gnomAD 0.00114; 1000 Genomes Project 30x 0.00125; 1000 Genomes Project 0.00140; TOPMed 0.00148; ExAC 0.00049; gnomAD exomes 0.00012; ESP Exome Variant Server 0.00154.
gnomAD v4.1: 349 of 1,613,312 alleles (0.022%); highest among the groups gnomAD compares: African/African-American, 0.41%; no homozygotes.

Submissions (2):

Labcorp Genetics (formerly Invitae), Labcorp
Classification: Likely benign. Last evaluated: 2025-12-24. Review status: criteria provided, single submitter. Criteria: Invitae Variant Classification Sherloc (09022015). Collection method: clinical testing. Allele origin: germline.

PreventionGenetics, part of Exact Sciences
Classification: Likely benign for COL17A1-related condition. Last evaluated: 2022-08-03. Review status: no assertion criteria provided. Collection method: clinical testing. Allele origin: germline. Not counted in ClinVar's aggregate classification.
Comment: This variant is classified as likely benign based on ACMG/AMP sequence variant interpretation guidelines (Richards et al. 2015 PMID: 25741868, with internal and published modifications).